The following is an entry in ClinVar:

NM_018671.5(UNC45A):c.2162C>T (p.Pro721Leu)

Gene: UNC45A (unc-45 myosin chaperone A; plus strand). Cytogenetic location: 15q26.1.
Variant type: single nucleotide variant.
Coding change: c.2162C>T on transcript NM_018671.5 (MANE Select); coding-DNA position 2162, C replaced by T.
Protein change: p.Pro721Leu; replaces proline 721 with leucine.
Molecular consequence: missense variant.
Genome position (GRCh38, 1-based): chr15:90,950,242, C>T. VCF-style: chr15-90950242-C-T. GRCh37 (hg19) VCF-style: chr15-91493472-C-T.
Other names: c.2117C>T, p.Pro706Leu (NM_001039675.2, NM_001323621.2); c.2162C>T, p.Pro721Leu (NM_001323619.1); c.1727C>T, p.Pro576Leu (NM_001323620.2); short protein forms P706L, P576L, P721L.
Identifiers: ClinVar variation 2163937 (VCV002163937.1), dbSNP rs1446052480, ClinGen allele CA393860649.

ClinVar aggregate classification (germline): Uncertain significance (1 of 4 stars; one submission).

Allele frequency attached by ClinVar (database versions not stated): TOPMed 0.00003; gnomAD exomes 0.00004; gnomAD 0.00009.
gnomAD v4.1: 72 of 1,551,622 alleles (0.0046%); highest among the groups gnomAD compares: East Asian, 0.0049%; no homozygotes.

Submission:

Labcorp Genetics (formerly Invitae), Labcorp
Classification: Uncertain significance. Last evaluated: 2022-02-02. Review status: criteria provided, single submitter. Criteria: Invitae Variant Classification Sherloc (09022015). Collection method: clinical testing. Allele origin: germline.
Comment: This sequence change replaces proline, which is neutral and non-polar, with leucine, which is neutral and non-polar, at codon 721 of the UNC45A protein (p.Pro721Leu). This variant is present in population databases (no rsID available, gnomAD 0.1%). This variant has not been reported in the literature in individuals affected with UNC45A-related conditions. Algorithms developed to predict the effect of missense changes on protein structure and function are either unavailable or do not agree on the potential impact of this missense change (SIFT: "Not Available"; PolyPhen-2: "Probably Damaging"; Align-GVGD: "Not Available"). In summary, the available evidence is currently insufficient to determine the role of this variant in disease. Therefore, it has been classified as a Variant of Uncertain Significance.